The following is an entry in ClinVar:

ClinVar aggregate classification (germline): Conflicting classifications of pathogenicity. Review status: criteria provided, conflicting classifications (1 of 4 stars). 2 submissions from 2 submitters: Uncertain significance (1); Benign (1). Last evaluated 2025-07-29.

Submissions (2):

GeneDx
Classification: Uncertain significance. Last evaluated: 2025-07-29. Review status: criteria provided, single submitter. Criteria: GeneDx Variant Classification Process June 2021. Collection method: clinical testing. Allele origin: germline. Affected: yes.
Comment: Not observed at significant frequency in large population cohorts (gnomAD); In silico analysis supports that this missense variant has a deleterious effect on protein structure/function; Has not been previously published as pathogenic or benign to our knowledge

Labcorp Genetics (formerly Invitae), Labcorp
Classification: Benign. Last evaluated: 2024-12-09. Review status: criteria provided, single submitter. Criteria: Invitae Variant Classification Sherloc (09022015). Collection method: clinical testing. Allele origin: germline.

NM_006164.5(NFE2L2):c.548A>C (p.Asp183Ala)

Gene: NFE2L2 (NFE2 like bZIP transcription factor 2; minus strand). Cytogenetic location: 2q31.2.
Variant type: single nucleotide variant.
Coding change: c.548A>C on transcript NM_006164.5 (MANE Select); coding-DNA position 548, A replaced by C.
Protein change: p.Asp183Ala; replaces aspartic acid 183 with alanine.
Molecular consequence: missense variant.
Genome position (GRCh38, 1-based): chr2:177,232,438, T>G on the plus strand (A>C on the coding strand, the complement: NFE2L2 is on the minus strand). VCF-style: chr2-177232438-T-G. GRCh37 (hg19) VCF-style: chr2-178097166-T-G.
Other names: c.479A>C, p.Asp160Ala (NM_001145413.3); c.500A>C, p.Asp167Ala (NM_001313900.1, NM_001313901.1, NM_001145412.3); c.458A>C, p.Asp153Ala (NM_001313902.2); c.329A>C, p.Asp110Ala (NM_001313903.2); c.248A>C, p.Asp83Ala (NM_001313904.1); c.548A>C (NM_006164.4); short protein forms D110A, D153A, D160A, D167A, D183A, D83A.
Identifiers: ClinVar variation 1559268 (VCV001559268.9), dbSNP rs2105455133, ClinGen allele CA349375749.
Genomic context (GRCh38, chr2:177,232,438, plus strand): 5'-TCTATTTTAGTTACCTGTAACTCAGGAATGGATAATAGCTCCTCCCAAACTTGCTCAATG[T>G]CCTGTTGCATACCGTCTAAATCAACAGGGGCTACCTGAGCAACAGAAGTTTCAGGTGACT-3'
Protein context (NP_006155.2, residues 173-193): APVDLDGMQQ[Asp183Ala]IEQVWEELLS